The following is an entry in ClinVar:

ClinVar aggregate classification (germline): Pathogenic (1 of 4 stars; one submission).

Submission:

Quest Diagnostics Nichols Institute San Juan Capistrano
Classification: Pathogenic. Last evaluated: 2021-06-14. Review status: criteria provided, single submitter. Criteria: ACMG/ClinGen CNV Guidelines, 2019. Collection method: clinical testing. Allele origin: unknown.
Comment: This copy number loss involves a number of genes, including ELN and LIMK1, and is expected to cause phenotypic and developmental abnormalities consistent with Williams-Beuren syndrome (OMIM 194050). Typical features include congenital heart defects, mainly supravalvular aortic stenosis, mild to moderate intellectual disability, distinctive facial features, and unique behavioral characteristics. See GeneReviews for additional information and references.

GRCh37/hg19 7q11.23(chr7:72718278-74143060)x1

Genes: ABHD11 (abhydrolase domain containing 11; minus strand), ABHD11-AS1 (ABHD11 antisense RNA 1 (tail to tail); plus strand), BAZ1B (bromodomain adjacent to zinc finger domain 1B; minus strand), BCL7B (BAF chromatin remodeling complex subunit BCL7B; minus strand), BUD23 (BUD23 rRNA methyltransferase and ribosome maturation factor; plus strand) and 22 more. Cytogenetic location: 7q11.23.
Variant type: copy number loss.
Change: copy number 1 (one copy instead of two) of chr7:72,718,278-74,143,060 (1.42 Mb, GRCh37 coordinates, 1-based), cytogenetic band 7q11.23.
Identifiers: ClinVar variation 1808834 (VCV001808834.1).